The following is an entry in ClinVar:

NM_015570.4(AUTS2):c.2629del (p.Arg877fs)

Gene: AUTS2 (activator of transcription and developmental regulator AUTS2; plus strand). Cytogenetic location: 7q11.22.
Variant type: Deletion.
Coding change: c.2629del on transcript NM_015570.4 (MANE Select); coding-DNA position 2629, one base deleted (C; older notation c.2629delC).
Protein change: p.Arg877fs; shifts the reading frame from arginine 877.
Molecular consequence: frameshift variant.
Genome position (GRCh38, 1-based): chr7:70,789,845, C deleted; the last of 2 consecutive C bases (chr7:70,789,844-70,789,845); deleting either gives the same sequence. VCF-style (leftmost placement, unchanged base first): chr7-70789843-TC-T. GRCh37 (hg19) VCF-style: chr7-70254829-TC-T.
Other names: c.2557del, p.Arg853fs (NM_001127231.3); short protein forms R877fs, R853fs.
Identifiers: ClinVar variation 421993 (VCV000421993.2), dbSNP rs1064795490, ClinGen allele CA16618554.
Genomic context (GRCh38, chr7:70,789,843, plus strand): 5'-CACCAGCACCTGTCCTCCCGGTGAATGCCCTGGGACATACCCGCAGCTCCACTGAACAGA[TC>T]CGGGCTCATCTGAACACTGAGGCTCGGGAGAAGGACAAACCCAAAGAGAGGGAGAGAGAC-3'

ClinVar aggregate classification (germline): Likely pathogenic (1 of 4 stars; one submission).

Submission:

GeneDx
Classification: Likely pathogenic. Last evaluated: 2016-08-17. Review status: criteria provided, single submitter. Criteria: GeneDx Variant Classification (06012015). Collection method: clinical testing. Allele origin: germline. Affected: yes.
Comment: The c.2629delC variant in the AUTS2 gene has not been reported previously as a pathogenic variant nor as a benign variant, to our knowledge. The c.2629delC variant causes a frameshift starting with codon Arginine 877, changes this amino acid to a Glycine residue, and creates a premature Stop codon at position 4 of the new reading frame, denoted p.Arg877GlyfsX4. This variant is predicted to cause loss of normal protein function through protein truncation. The c.2629delC variant was not observed in approximately 6,500 individuals of European and African American ancestry in the NHLBI Exome Sequencing Project, indicating it is not a common benign variant in these populations. The c.2629delC variant is a strong candidate for a pathogenic variant, however the possibility it may be a rare benign variant cannot be excluded.